The following is an entry in ClinVar:

ClinVar aggregate classification (germline): Uncertain significance (1 of 4 stars; one submission).

Submission:

GeneDx
Classification: Uncertain significance. Last evaluated: 2025-03-26. Review status: criteria provided, single submitter. Criteria: GeneDx Variant Classification Process June 2021. Collection method: clinical testing. Allele origin: germline. Affected: yes.
Comment: Not observed at significant frequency in large population cohorts (gnomAD); In silico analysis indicates that this missense variant does not alter protein structure/function; Has not been previously published as pathogenic or benign to our knowledge

NM_016120.4(RLIM):c.1348G>C (p.Gly450Arg)

Gene: RLIM (ring finger protein, LIM domain interacting; minus strand). Cytogenetic location: Xq13.2.
Variant type: single nucleotide variant.
Coding change: c.1348G>C on transcript NM_016120.4 (MANE Select); coding-DNA position 1348, G replaced by C.
Protein change: p.Gly450Arg; replaces glycine 450 with arginine.
Molecular consequence: missense variant.
Genome position (GRCh38, 1-based): chrX:74,591,967, C>G on the plus strand (G>C on the coding strand, the complement: RLIM is on the minus strand). VCF-style: chrX-74591967-C-G. GRCh37 (hg19) VCF-style: chrX-73811802-C-G.
Other names: c.1348G>C, p.Gly450Arg (NM_183353.3); short protein forms G450R.
Identifiers: ClinVar variation 4088231 (VCV004088231.1).